The following is an entry in ClinVar:

NM_024426.6(WT1):c.145G>C (p.Gly49Arg)

Genes: WT1 (WT1 transcription factor; minus strand), LOC107982234 (WT1/WT1-AS bi-directional promoter region; plus strand). Cytogenetic location: 11p13.
Variant type: single nucleotide variant.
Coding change: c.145G>C on transcript NM_024426.6 (MANE Select); coding-DNA position 145, G replaced by C.
Protein change: p.Gly49Arg; replaces glycine 49 with arginine.
Molecular consequence: missense variant. On other transcripts: non-coding transcript variant (2).
Genome position (GRCh38, 1-based): chr11:32,435,216, C>G on the plus strand (G>C on the coding strand, the complement: WT1 is on the minus strand). VCF-style: chr11-32435216-C-G. GRCh37 (hg19) VCF-style: chr11-32456762-C-G.
Other names: c.145G>C, p.Gly49Arg (NM_001407046.1, NM_001407047.1, NM_001407048.1 and 6 more transcripts); c.130G>C, p.Gly44Arg (NM_024425.2); short protein forms G44R, G49R.
Identifiers: ClinVar variation 2630917 (VCV002630917.1), dbSNP rs1853474626, ClinGen allele CA379966288.
Genomic context (GRCh38, chr11:32,435,216, plus strand): 5'-ACCCGGACGCCCCGCGGCTCCTCCGGCCCTGGAGACGTTCAGCGCTGGCCTCGGCGGCGC[C>G]TAACTTGGCCCAGATGCCGCCCGGGTCCCGGACTCCCTGCTGCTCTGGCTGCTGTAGGCA-3'
Protein context (NP_077744.4, residues 39-59): RDPGGIWAKL[Gly49Arg]AAEASAERLQ

ClinVar aggregate classification (germline): Uncertain significance (1 of 4 stars; one submission).

Conditions:
WT1-related disorder. Also called: WT1-related disorders. Identifiers: MedGen CN377814.

Submission:

PreventionGenetics, part of Exact Sciences
Classification: Uncertain significance for WT1-related condition. Last evaluated: 2023-08-21. Review status: criteria provided, single submitter. Criteria: ACMG Guidelines, 2015. Collection method: clinical testing. Allele origin: germline.
Comment: The WT1 c.130G>C variant is predicted to result in the amino acid substitution p.Gly44Arg. To our knowledge, this variant has not been reported in the literature or in a large population database, indicating this variant is rare. At this time, the clinical significance of this variant is uncertain due to the absence of conclusive functional and genetic evidence.